The following is an entry in ClinVar:

NM_024422.6(DSC2):c.1197T>C (p.Asn399=)

Gene: DSC2 (desmocollin 2; minus strand). Cytogenetic location: 18q12.1.
Variant type: single nucleotide variant.
Coding change: c.1197T>C on transcript NM_024422.6 (MANE Select); coding-DNA position 1197, T replaced by C.
Protein change: p.Asn399=; no amino-acid change (asparagine 399 retained).
Molecular consequence: synonymous variant.
Genome position (GRCh38, 1-based): chr18:31,082,304, A>G on the plus strand (T>C on the coding strand, the complement: DSC2 is on the minus strand). VCF-style: chr18-31082304-A-G. GRCh37 (hg19) VCF-style: chr18-28662270-A-G.
Other names: c.768T>C, p.Asn256= (NM_001406506.1, NM_001406507.1); c.1197T>C, p.Asn399= (NM_004949.5).
Identifiers: ClinVar variation 3074279 (VCV003074279.1), dbSNP rs2510948283, ClinGen allele CA503387267.

ClinVar aggregate classification (germline): Likely benign (1 of 4 stars; one submission).

Conditions:
Familial isolated arrhythmogenic right ventricular dysplasia. Identifiers: Orphanet 217656, MedGen C4274968, MONDO:0016342.

Submission:

All of Us Research Program, National Institutes of Health
Classification: Likely benign for Familial isolated arrhythmogenic right ventricular dysplasia. Last evaluated: 2023-11-02. Review status: criteria provided, single submitter. Criteria: ACMG Guidelines, 2015. Collection method: clinical testing. Allele origin: germline. Inheritance: Autosomal dominant inheritance. Observed: 1 variant allele, 1 heterozygote.
Comment: This study involves interpretation of variants in research participants for the purpose of population health screening. Participant phenotype was not available at the time of variant classification. Additional details can be found in publication PMID: 35346344, PMCID: PMC8962531